The following is an entry in ClinVar:

NM_000439.5(PCSK1):c.903C>A (p.Ser301=)

Genes: CAST (calpastatin; plus strand), PCSK1 (proprotein convertase subtilisin/kexin type 1; minus strand), LOC101929710 (uncharacterized LOC101929710; plus strand). Cytogenetic location: 5q15.
Variant type: single nucleotide variant.
Coding change: c.903C>A on transcript NM_000439.5 (MANE Select); coding-DNA position 903, C replaced by A.
Protein change: p.Ser301=; no amino-acid change (serine 301 retained).
Molecular consequence: synonymous variant. On other transcripts: intron variant (11).
Genome position (GRCh38, 1-based): chr5:96,410,966, G>T on the plus strand (C>A on the coding strand, the complement: PCSK1 is on the minus strand). VCF-style: chr5-96410966-G-T. GRCh37 (hg19) VCF-style: chr5-95746670-G-T.
Other names: c.762C>A, p.Ser254= (NM_001177875.2); c.-175+31314G>T (NM_001423254.1, NM_001423259.1, NM_001423255.1 and 6 more transcripts); c.-103+31314G>T (NM_001423253.1); c.-40+31314G>T (NM_001423258.1).
Identifiers: ClinVar variation 3355516 (VCV003355516.1).

ClinVar aggregate classification (germline): Likely benign (0 of 4 stars; one submission).

Conditions:
PCSK1-related disorder. Also called: PCSK1-related condition.

gnomAD v4.1: 1 of 1,613,256 alleles (0.000062%); highest among the groups gnomAD compares: Non-Finnish European, 0.000085%; no homozygotes.

Submission:

PreventionGenetics, part of Exact Sciences
Classification: Likely benign for PCSK1-related condition. Last evaluated: 2021-11-09. Review status: no assertion criteria provided. Collection method: clinical testing. Allele origin: germline.
Comment: This variant is classified as likely benign based on ACMG/AMP sequence variant interpretation guidelines (Richards et al. 2015 PMID: 25741868, with internal and published modifications).